The following is an entry in ClinVar:

ClinVar aggregate classification (germline): Uncertain significance (1 of 4 stars; one submission).

Submission:

Labcorp Genetics (formerly Invitae), Labcorp
Classification: Uncertain significance. Last evaluated: 2022-02-02. Review status: criteria provided, single submitter. Criteria: Invitae Variant Classification Sherloc (09022015). Collection method: clinical testing. Allele origin: germline.
Comment: In summary, the available evidence is currently insufficient to determine the role of this variant in disease. Therefore, it has been classified as a Variant of Uncertain Significance. Algorithms developed to predict the effect of missense changes on protein structure and function are either unavailable or do not agree on the potential impact of this missense change (SIFT: "Tolerated"; PolyPhen-2: "Not Available"; Align-GVGD: "Class C0"). This variant has not been reported in the literature in individuals affected with KMT2B-related conditions. This variant is not present in population databases (gnomAD no frequency). This sequence change replaces asparagine, which is neutral and polar, with serine, which is neutral and polar, at codon 1869 of the KMT2B protein (p.Asn1869Ser).

NM_014727.3(KMT2B):c.5606A>G (p.Asn1869Ser)

Gene: KMT2B (lysine methyltransferase 2B; plus strand). Cytogenetic location: 19q13.12.
Variant type: single nucleotide variant.
Coding change: c.5606A>G on transcript NM_014727.3 (MANE Select); coding-DNA position 5606, A replaced by G.
Protein change: p.Asn1869Ser; replaces asparagine 1869 with serine.
Molecular consequence: missense variant.
Genome position (GRCh38, 1-based): chr19:35,732,076, A>G. VCF-style: chr19-35732076-A-G. GRCh37 (hg19) VCF-style: chr19-36222977-A-G.
Other names: short protein forms N1869S.
Identifiers: ClinVar variation 2047494 (VCV002047494.4), dbSNP rs2513349378, ClinGen allele CA405422475.
Genomic context (GRCh38, chr19:35,732,076, plus strand): 5'-CAGGCAGCGCCCCTCCTCCAGCCCCCCGTTCTTTTTCGGGGGCTCGAATCAAAGTGCCCA[A>G]CTACTCGCCATCCCGGAGGCCCTTGGGGGGTGTCTCCTTTGGCCCCCTGCCCTCCCCTGG-3'
Protein context (NP_055542.1, residues 1859-1879): SFSGARIKVP[Asn1869Ser]YSPSRRPLGG